The following is an entry in ClinVar:

NM_000059.4(BRCA2):c.6434_6441del (p.Asn2145fs)

Gene: BRCA2 (BRCA2 DNA repair associated; plus strand). Cytogenetic location: 13q13.1.
Variant type: Deletion.
Coding change: c.6434_6441del on transcript NM_000059.4 (MANE Select); coding-DNA positions 6434 to 6441, 8 bases deleted (ATAATCAC; older notation c.6434_6441delATAATCAC).
Protein change: p.Asn2145fs; shifts the reading frame from asparagine 2145.
Molecular consequence: frameshift variant.
Genome position (GRCh38, 1-based): chr13:32,340,789-32,340,796, ATAATCAC deleted. VCF-style (leftmost placement, unchanged base first): chr13-32340788-AATAATCAC-A. GRCh37 (hg19) VCF-style: chr13-32914925-AATAATCAC-A.
Other names: 6662del8; c.6434_6441delATAATCAC (NM_000059.3).
Identifiers: ClinVar variation 38044 (VCV000038044.21), dbSNP rs397507371, ClinGen allele CA024026.

ClinVar aggregate classification (germline): Pathogenic. Review status: reviewed by expert panel (3 of 4 stars). 7 submissions from 7 submitters: Pathogenic (1). 6 of the submissions do not count toward it. Last evaluated 2016-09-08.

Conditions:
Hereditary cancer-predisposing syndrome. Also called: Tumor predisposition; Neoplastic Syndromes, Hereditary; Hereditary neoplastic syndrome; Hereditary Cancer Syndrome. Identifiers: Orphanet 140162, MedGen C0027672, MeSH D009386, MONDO:0015356.
Hereditary breast ovarian cancer syndrome. Also called: Hereditary breast and ovarian cancer; Hereditary breast and ovarian cancer syndrome (HBOC); Hereditary breast and/or ovarian cancer syndrome; Breast and ovarian cancer; Hereditary breast and ovarian cancer syndrome; BRCA1- and BRCA2-Associated Hereditary Breast and Ovarian Cancer. Identifiers: Orphanet 145, MedGen C0677776, MeSH D061325, MONDO:0003582. Disease mechanism: loss of function.
Breast-ovarian cancer, familial, susceptibility to, 2 (BROVCA2). Also called: BRCA2 Hereditary Breast and Ovarian Cancer. Identifiers: Orphanet 145, MedGen C2675520, MONDO:0012933, OMIM 612555. Disease mechanism: loss of function.

Submissions (7):

Evidence-based Network for the Interpretation of Germline Mutant Alleles (ENIGMA)
Classification: Pathogenic for Breast-ovarian cancer, familial, susceptibility to, 2. Last evaluated: 2016-09-08. Review status: reviewed by expert panel. Criteria: ENIGMA BRCA1/2 Classification Criteria (2015). Collection method: curation. Allele origin: germline.
Comment: Variant allele predicted to encode a truncated non-functional protein.

Labcorp Genetics (formerly Invitae), Labcorp
Classification: Pathogenic for Hereditary breast ovarian cancer syndrome. Last evaluated: 2024-11-16. Review status: criteria provided, single submitter. Criteria: Invitae Variant Classification Sherloc (09022015). Collection method: clinical testing. Allele origin: germline. Not counted in ClinVar's aggregate classification.
Comment: This sequence change creates a premature translational stop signal (p.Asn2145Ilefs*3) in the BRCA2 gene. It is expected to result in an absent or disrupted protein product. Loss-of-function variants in BRCA2 are known to be pathogenic (PMID: 20104584). This variant is not present in population databases (gnomAD no frequency). This premature translational stop signal has been observed in individual(s) with breast and/or ovarian cancer (PMID: 21913181). This variant is also known as 6662del8. ClinVar contains an entry for this variant (Variation ID: 38044). For these reasons, this variant has been classified as Pathogenic.

Ambry Genetics
Classification: Pathogenic for Hereditary cancer-predisposing syndrome. Last evaluated: 2023-09-14. Review status: criteria provided, single submitter. Criteria: Ambry Variant Classification Scheme 2023. Collection method: clinical testing. Allele origin: germline. Not counted in ClinVar's aggregate classification.
Comment: The c.6434_6441delATAATCAC pathogenic mutation, located in coding exon 10 of the BRCA2 gene, results from a deletion of 8 nucleotides at nucleotide positions 6434 to 6441, causing a translational frameshift with a predicted alternate stop codon (p.N2145Ifs*3). This alteration was identified in a hereditary breast and ovarian cancer cohort (Litton JK et al. Cancer 2012 Jan;118(2):321-5). Of note, this alteration is also known as 6662del8 in published literature. In addition to the clinical data presented in the literature, this alteration is expected to result in loss of function by premature protein truncation or nonsense-mediated mRNA decay. As such, this alteration is interpreted as a disease-causing mutation.

Women's Health and Genetics/Laboratory Corporation of America, LabCorp
Classification: Pathogenic for Hereditary breast ovarian cancer syndrome. Last evaluated: 2021-06-13. Review status: criteria provided, single submitter. Criteria: LabCorp Variant Classification Summary - May 2015. Collection method: clinical testing. Allele origin: germline. Not counted in ClinVar's aggregate classification.
Comment: Variant summary: BRCA2 c.6434_6441delATAATCAC (p.Asn2145IlefsX3) results in a premature termination codon, predicted to cause a truncation of the encoded protein or absence of the protein due to nonsense mediated decay, which are commonly known mechanisms for disease. Truncations downstream of this position have been classified as pathogenic by our laboratory. The variant was absent in 230948 control chromosomes. c.6434_6441delATAATCAC has been reported in the literature in individuals/families affected with Hereditary Breast And Ovarian Cancer Syndrome (example Rebbeck_2018, Litton_2012). To our knowledge, no experimental evidence demonstrating an impact on protein function has been reported. Two clinical diagnostic laboratories, an expert panel (ENIGMA) and a consortium (CIMBA) have submitted clinical-significance assessments for this variant to ClinVar after 2014 without evidence for independent evaluation. All submitters classified the variant as pathogenic. Based on the evidence outlined above, the variant was classified as pathogenic.

GeneDx
Classification: Pathogenic. Last evaluated: 2021-01-22. Review status: criteria provided, single submitter. Criteria: GeneDx Variant Classification Process June 2021. Collection method: clinical testing. Allele origin: germline. Affected: yes. Not counted in ClinVar's aggregate classification.
Comment: Frameshift variant predicted to result in protein truncation or nonsense mediated decay in a gene for which loss-of-function is a known mechanism of disease; Observed in individuals with a personal or family history consistent with pathogenic variants in this gene (Litton 2012); Not observed in large population cohorts (Lek 2016); Truncating variants in this gene are considered pathogenic by a well-established clinical consortium and/or database; Also known as 6662_6669delATAATCAC or 6662del8; This variant is associated with the following publications: (PMID: 21913181)

Consortium of Investigators of Modifiers of BRCA1/2 (CIMBA), c/o University of Cambridge
Classification: Pathogenic for Breast-ovarian cancer, familial, susceptibility to, 2. Last evaluated: 2015-10-02. Review status: criteria provided, single submitter. Criteria: CIMBA Mutation Classification guidelines May 2016. Collection method: clinical testing. Allele origin: germline. Not counted in ClinVar's aggregate classification.

Sharing Clinical Reports Project (SCRP)
Classification: Pathogenic for Breast-ovarian cancer, familial 2. Last evaluated: 2006-02-16. Review status: no assertion criteria provided. Collection method: clinical testing. Allele origin: germline. Not counted in ClinVar's aggregate classification.

Literature cited by the submitters: PubMed 20104584 (cited by Labcorp Genetics (formerly Invitae), Labcorp); PubMed 21913181 (cited by 3 submitters); PubMed 29446198 (cited by Women's Health and Genetics/Laboratory Corporation of America, LabCorp).